The following is an entry in ClinVar:

ClinVar aggregate classification (germline): Likely benign (1 of 4 stars; one submission).

Submission:

GeneDx
Classification: Likely benign. Last evaluated: 2016-08-05. Review status: criteria provided, single submitter. Criteria: GeneDx Variant Classification (06012015). Collection method: clinical testing. Allele origin: germline. Affected: yes.
Comment: This variant is considered likely benign or benign based on one or more of the following criteria: it is a conservative change, it occurs at a poorly conserved position in the protein, it is predicted to be benign by multiple in silico algorithms, and/or has population frequency not consistent with disease.

NM_203447.4(DOCK8):c.2440+12C>G

Gene: DOCK8 (dedicator of cytokinesis 8; plus strand). Cytogenetic location: 9p24.3.
Variant type: single nucleotide variant.
Coding change: c.2440+12C>G on transcript NM_203447.4 (MANE Select); 12 bases into the intron after coding-DNA position 2440, C replaced by G.
Molecular consequence: intron variant.
Genome position (GRCh38, 1-based): chr9:377,223, C>G. VCF-style: chr9-377223-C-G. GRCh37 (hg19) VCF-style: chr9-377223-C-G.
Other names: c.2236+12C>G (NM_001193536.2, NM_001190458.2).
Identifiers: ClinVar variation 388345 (VCV000388345.1), dbSNP rs747420278, ClinGen allele CA16605867.
Genomic context (GRCh38, chr9:377,223, plus strand): 5'-AAGCTCTTCCAGCTGTCCGTGCAGCCCATGGTCATCGCTGGCCAGACAGGTATGAACCTG[C>G]AGGGCTGGGCTGGGAGGAGGCAGGAGCAAGCAAGCATTGCCTTCTTTAATGAAAAATGAC-3'